The following is an entry in ClinVar:

NM_152703.5(SAMD9L):c.3488T>C (p.Phe1163Ser)

Gene: SAMD9L (sterile alpha motif domain containing 9 like; minus strand). Cytogenetic location: 7q21.2.
Variant type: single nucleotide variant.
Coding change: c.3488T>C on transcript NM_152703.5 (MANE Select); coding-DNA position 3488, T replaced by C.
Protein change: p.Phe1163Ser; replaces phenylalanine 1163 with serine.
Molecular consequence: missense variant.
Genome position (GRCh38, 1-based): chr7:93,132,484, A>G on the plus strand (T>C on the coding strand, the complement: SAMD9L is on the minus strand). VCF-style: chr7-93132484-A-G. GRCh37 (hg19) VCF-style: chr7-92761797-A-G.
Other names: c.3488T>C, p.Phe1163Ser (NM_001303496.3, NM_001303497.3, NM_001303498.3 and 5 more transcripts); short protein forms F1163S.
Identifiers: ClinVar variation 3949864 (VCV003949864.1).

ClinVar aggregate classification (germline): Uncertain significance (1 of 4 stars; one submission).

Conditions:
Inborn genetic diseases. Identifiers: MedGen C0950123, MeSH D030342.

Submission:

Ambry Genetics
Classification: Uncertain significance for Inborn genetic diseases. Last evaluated: 2025-04-19. Review status: criteria provided, single submitter. Criteria: Ambry Variant Classification Scheme 2023. Collection method: clinical testing. Allele origin: germline.
Comment: The p.F1163S variant (also known as c.3488T>C), located in coding exon 1 of the SAMD9L gene, results from a T to C substitution at nucleotide position 3488. The phenylalanine at codon 1163 is replaced by serine, an amino acid with highly dissimilar properties. This amino acid position is conserved. In addition, the in silico prediction for this alteration is inconclusive. Based on the available evidence, the clinical significance of this variant remains unclear.